The following is an entry in ClinVar:

NM_006939.4(SOS2):c.2362C>G (p.Leu788Val)

Gene: SOS2 (SOS Ras/Rho guanine nucleotide exchange factor 2; minus strand). Cytogenetic location: 14q21.3.
Variant type: single nucleotide variant.
Coding change: c.2362C>G on transcript NM_006939.4 (MANE Select); coding-DNA position 2362, C replaced by G.
Protein change: p.Leu788Val; replaces leucine 788 with valine.
Molecular consequence: missense variant.
Genome position (GRCh38, 1-based): chr14:50,150,030, G>C on the plus strand (C>G on the coding strand, the complement: SOS2 is on the minus strand). VCF-style: chr14-50150030-G-C. GRCh37 (hg19) VCF-style: chr14-50616748-G-C.
Other names: p.Leu788Val; short protein forms L788V.
Identifiers: ClinVar variation 1398009 (VCV001398009.9), dbSNP rs771681478, ClinGen allele CA7177060.

ClinVar aggregate classification (germline): Uncertain significance. Review status: criteria provided, multiple submitters, no conflicts (2 of 4 stars). 2 submissions from 2 submitters: Uncertain significance (2). Last evaluated 2025-08-29.

Conditions:
Noonan syndrome 9 (NS9). Identifiers: Orphanet 648, MedGen C4225282, MONDO:0014691, OMIM 616559.

Allele frequency attached by ClinVar (database versions not stated): gnomAD exomes below 0.00001; TOPMed below 0.00001; ExAC 0.00001.
gnomAD v4.1: 1 of 1,611,036 alleles (0.000062%); highest among the groups gnomAD compares: Admixed American, 0.0017%; no homozygotes.

Submissions (2):

Mayo Clinic Laboratories, Mayo Clinic
Classification: Uncertain significance. Last evaluated: 2025-08-29. Review status: criteria provided, single submitter. Criteria: ACMG Guidelines, 2015. Collection method: clinical testing. Allele origin: germline. Observed: 1 variant allele.

Labcorp Genetics (formerly Invitae), Labcorp
Classification: Uncertain significance for Noonan syndrome 9. Last evaluated: 2021-04-04. Review status: criteria provided, single submitter. Criteria: Invitae Variant Classification Sherloc (09022015). Collection method: clinical testing. Allele origin: germline.
Comment: This variant has not been reported in the literature in individuals with SOS2-related conditions. This variant is present in population databases (rs771681478, ExAC 0.009%). This sequence change replaces leucine with valine at codon 788 of the SOS2 protein (p.Leu788Val). The leucine residue is highly conserved and there is a small physicochemical difference between leucine and valine. Advanced modeling of protein sequence and biophysical properties (such as structural, functional, and spatial information, amino acid conservation, physicochemical variation, residue mobility, and thermodynamic stability) performed at Invitae indicates that this missense variant is expected to disrupt SOS2 protein function. In summary, the available evidence is currently insufficient to determine the role of this variant in disease. Therefore, it has been classified as a Variant of Uncertain Significance.